The following is an entry in ClinVar:

NM_001276270.2(MBD4):c.939dup (p.Glu314fs)

Gene: MBD4 (methyl-CpG binding domain 4, DNA glycosylase; minus strand). Cytogenetic location: 3q21.3.
Variant type: Duplication.
Coding change: c.939dup on transcript NM_001276270.2 (MANE Select); coding-DNA position 939, one base duplicated (A; older notation c.939dupA).
Protein change: p.Glu314fs; shifts the reading frame from glutamic acid 314.
Molecular consequence: frameshift variant. On other transcripts: intron variant (1).
Genome position (GRCh38, 1-based): chr3:129,436,705, T duplicated on the plus strand (A on the coding strand, the reverse complement: MBD4 is on the minus strand); the first of 10 consecutive T bases (chr3:129,436,705-129,436,714); duplicating any one gives the same sequence. VCF-style (leftmost placement, unchanged base first): chr3-129436704-C-CT. GRCh37 (hg19) VCF-style: chr3-129155547-C-CT.
Other names: c.939dupA (NM_003925.2, NM_001276270.2); c.939dup, p.Glu314fs (NM_001276271.2, NM_001276272.2, NM_003925.3); c.247+1103dup (NM_001276273.2); short protein forms E314fs.
Identifiers: ClinVar variation 1338644 (VCV001338644.17), dbSNP rs558765093, ClinGen allele CA2605444.

ClinVar aggregate classification (germline): Pathogenic/Likely pathogenic. Review status: criteria provided, multiple submitters, no conflicts (2 of 4 stars). 10 submissions from 10 submitters: Pathogenic (7); Likely pathogenic (1). 2 of the submissions do not count toward it. Last evaluated 2026-07-09.

Conditions:
MBD4-related disorder. Also called: MBD4-related condition.
Inborn genetic diseases. Identifiers: MedGen C0950123, MeSH D030342.
Melanoma, uveal, susceptibility to, 1 (UVM1). Identifiers: Orphanet 39044, MedGen C1847724, MONDO:0011695, OMIM 606660. Disease mechanism: loss of function.
Tumor predisposition syndrome 2 (TPDS2). Also called: MBD4-ASSOCIATED NEOPLASIA SYNDROME; MBD4-associated neoplasia syndrome (MANS); MBD4-Related Tumor Predisposition Syndrome. Identifiers: Orphanet 661526, MedGen C5774186, MONDO:0859267, OMIM 619975.

Submissions (10):

Ambry Genetics
Classification: Pathogenic for Inborn genetic diseases. Last evaluated: 2026-07-09. Review status: criteria provided, single submitter. Criteria: Ambry Variant Classification Scheme 2023. Collection method: clinical testing. Allele origin: germline.
Comment: The c.939dupA pathogenic mutation, located in coding exon 3 of the MBD4 gene, results from a duplication of A at nucleotide position 939, causing a translational frameshift with a predicted alternate stop codon (p.E314Rfs*13). This variant was reported in a homozygous or compound heterozygous state in individuals with features consistent with MBD4-associated neoplasia syndrome (Palles C et al. Am J Hum Genet, 2022 May;109:953-960; Querido I et al. Clin Genet, 2026 Jan;109:50-59). This alteration is expected to result in loss of function by premature protein truncation or nonsense-mediated mRNA decay. As such, this alteration is interpreted as a disease-causing mutation.

PreventionGenetics, part of Exact Sciences
Classification: Pathogenic for MBD4-related condition. Last evaluated: 2026-03-07. Review status: criteria provided, single submitter. Criteria: ACMG Guidelines, 2015. Collection method: clinical testing. Allele origin: germline.
Comment: The MBD4 c.939dupA variant is predicted to result in a frameshift and premature protein termination (p.Glu314Argfs*13). This variant has been reported in the homozygous and compound heterozygous states, and segregates with affected status, in families with autosomal recessive MBD4-related tumor predisposition syndrome 2 (Sanders et al. 2018. PubMed ID: 30049810; Palles et al. 2022. PubMed ID: 35460607). In the heterozygous state, it may be associated with autosomal dominant uveal melanoma (Villy et al. 2024. PubMed ID: 38060262). This variant is reported in 0.11% of alleles in individuals of South Asian descent in gnomAD, yet this allele frequency data is expected to be unreliable due to poor data quality in this region in gnomAD. This variant is interpreted as pathogenic and likely pathogenic in ClinVar (Variation ID: 1338644). This variant is interpreted as pathogenic.

Labcorp Genetics (formerly Invitae), Labcorp
Classification: Pathogenic. Last evaluated: 2026-01-26. Review status: criteria provided, single submitter. Criteria: Invitae Variant Classification Sherloc (09022015). Collection method: clinical testing. Allele origin: germline.
Comment: This sequence change creates a premature translational stop signal (p.Glu314Argfs*13) in the MBD4 gene. It is expected to result in an absent or disrupted protein product. Loss-of-function variants in MBD4 are known to be pathogenic (PMID: 30049810, 35460607). The frequency data for this variant in the population databases is considered unreliable, as metrics indicate poor data quality at this position in the gnomAD database. This premature translational stop signal has been observed in individual(s) with acute myeloid leukemia (PMID: 30049810). ClinVar contains an entry for this variant (Variation ID: 1338644). For these reasons, this variant has been classified as Pathogenic.

Dasa
Classification: Pathogenic. Last evaluated: 2025-04-12. Review status: criteria provided, single submitter. Criteria: DASA Assertion Criteria. Collection method: clinical testing. Allele origin: germline.
Comment: NM_001276270.2(MBD4):c.939dup (p.Glu314Argfs*13) introduces a premature termination codon predicted to result in loss of normal protein function. Loss-of-function is an established mechanism of disease for this gene. Segregation evidence has been reported in affected families. This variant has been recurrently observed in affected individuals with related phenotype in a genotype context consistent with recessive disease (PMID: 30049810; PMID: 35460607). The variant is present at low frequency in population datasets. Based on the available data, this variant is classified as pathogenic.

Fulgent Genetics
Classification: Likely pathogenic for Melanoma, uveal, susceptibility to, 1; Tumor predisposition syndrome 2. Last evaluated: 2024-06-21. Review status: criteria provided, single submitter. Criteria: ACMG Guidelines, 2015. Collection method: clinical testing. Allele origin: germline.

3billion
Classification: Pathogenic for Tumor predisposition syndrome 2. Last evaluated: 2024-06-17. Review status: criteria provided, single submitter. Criteria: ACMG Guidelines, 2015. Collection method: clinical testing. Allele origin: germline. Affected: yes.
Comment: The variant is observed at an extremely low frequency in the gnomAD v4.0.0 dataset (total allele frequency: 0.054%). Predicted Consequence/Location: Frameshift: predicted to result in a loss or disruption of normal protein function through nonsense-mediated decay (NMD) or protein truncation. Multiple pathogenic variants are reported downstream of the variant. The variant has been reported to be associated with MBD4 related disorder (ClinVar ID: VCV001338644, PMID: 30049810). Therefore, this variant is classified as Pathogenic according to the recommendation of ACMG/AMP guideline.

Victorian Clinical Genetics Services, Murdoch Childrens Research Institute
Classification: Pathogenic for Tumor predisposition syndrome 2. Last evaluated: 2023-07-17. Review status: criteria provided, single submitter. Criteria: ACMG Guidelines, 2015. Collection method: clinical testing. Allele origin: germline. Inheritance: Autosomal recessive inheritance. Affected: yes.
Comment: Based on the classification scheme VCGS_Germline_v1.3.4, this variant is classified as Pathogenic. Following criteria are met: 0102 - Loss of function is a known mechanism of disease in this gene and is associated with tumour predisposition syndrome 2 (MIM#619975). (I) 0106 - This gene is associated with autosomal recessive disease. (I) 0201 - Variant is predicted to cause nonsense-mediated decay (NMD) and loss of protein (premature termination codon is located at least 54 nucleotides upstream of the final exon-exon junction). (SP) 0251 - This variant is heterozygous. (I) 0304 - Variant is present in gnomAD <0.01 for a recessive condition (v3 - 45 heterozygotes, 0 homozygotes). However, population frequency may be overestimated or underestimated due to the location of this variant in a low complexity region. (SP) 0703 - Other NMD-predicted variants comparable to the one identified in this case have moderate previous evidence for pathogenicity. (SP) 0801 - This variant has strong previous evidence of pathogenicity in unrelated individuals. PMID 35460607 identified this variant as homozygous or compound heterozygous in four individuals from three families affected by colonic polypsis and AML or uveal melanoma. PMID: 30049810 report this variant as compound heterozygous in two siblings with early-onset AML. Two other unrelated individuals with this variant in trans with another pathogenic/likely pathogenic MBD4 variant diagnosed with polyposis and AML have also been identified (Invitae, Clinvar). (SP) 0906 - Segregation evidence for this variant is inconclusive due to lack of sufficient number of affected individuals and/or genotyping in the published families (PMID: 35460607; PMID: 30049810). (I) 1007 - No published functional evidence has been identified for this variant. (I) 1101 - Very strong and specific phenotype match for this individual. (SP) 1208 - Inheritance information for this variant is not currently available in this individual. (I) Legend: (SP) - Supporting pathogenic, (I) - Information, (SB) - Supporting benign

Juno Genomics, Hangzhou Juno Genomics, Inc
Classification: Pathogenic for Tumor predisposition syndrome 2. Review status: criteria provided, single submitter. Criteria: ACMG Guidelines, 2015. Collection method: clinical testing. Allele origin: germline.
Comment: Absent from controls (or at extremely low frequency if recessive) in Genome Aggregation Database.;Null variant in a gene where loss of function (LOF) is a known mechanism of disease.;For recessive disorders, detected in trans with a pathogenic variant.;Co-segregation with disease in multiple affected family members.

OMIM
Classification: Pathogenic for TUMOR PREDISPOSITION SYNDROME 2. Last evaluated: 2022-08-08. Review status: no assertion criteria provided. Collection method: literature only. Allele origin: germline. Not counted in ClinVar's aggregate classification.

Genetic Services Laboratory, University of Chicago
Classification: Uncertain significance. Last evaluated: 2021-06-21. Review status: flagged submission. Criteria: ACMG Guidelines, 2015. Collection method: clinical testing. Allele origin: germline. Affected: no. Not counted in ClinVar's aggregate classification.
Comment: DNA sequence analysis of the MBD4 gene demonstrated a single base pair duplication in exon 3, c.939dup. This duplication is predicted to result in a frameshift and a premature stop codon, p.Glu314Argfs*13. This sequence change is predicted to result in an abnormal transcript, which may be degraded, or may lead to the production of a truncated MBD4 protein with potentially abnormal function. This sequence change has been described in gnomAD with a frequency of 0.1% in the South Asian sub-population (dbSNP rs558765093). This sequence change has been reported in a case with early onset AML but this has not been proven conclusively (PMID: 30049810). The functional significance of this sequence change is not known at present
ClinVar note: Reason: Outlier claim with insufficient supporting evidence

Literature cited by the submitters: PubMed 35460607 (cited by 5 submitters); PubMed 40605265 (cited by Ambry Genetics); PubMed 30049810 (cited by 4 submitters); PubMed 31322271 (cited by Victorian Clinical Genetics Services, Murdoch Childrens Research Institute).